The following is an entry in ClinVar:

NM_000255.4(MMUT):c.1700A>G (p.Asp567Gly)

Gene: MMUT (methylmalonyl-CoA mutase; minus strand). Cytogenetic location: 6p12.3.
Variant type: single nucleotide variant.
Coding change: c.1700A>G on transcript NM_000255.4 (MANE Select); coding-DNA position 1700, A replaced by G.
Protein change: p.Asp567Gly; replaces aspartic acid 567 with glycine.
Molecular consequence: missense variant.
Genome position (GRCh38, 1-based): chr6:49,441,948, T>C on the plus strand (A>G on the coding strand, the complement: MMUT is on the minus strand). VCF-style: chr6-49441948-T-C. GRCh37 (hg19) VCF-style: chr6-49409661-T-C.
Other names: c.1700A>G (NM_000255.3); short protein forms D567G.
Identifiers: ClinVar variation 1507653 (VCV001507653.7), dbSNP rs1448500208, ClinGen allele CA364396086.

ClinVar aggregate classification (germline): Uncertain significance. Review status: criteria provided, multiple submitters, no conflicts (2 of 4 stars). 2 submissions from 2 submitters: Uncertain significance (2). Last evaluated 2025-08-22.

Conditions:
Methylmalonic aciduria due to methylmalonyl-CoA mutase deficiency (MAMM). Also called: Methylmalonic aciduria, mut type. Identifiers: Orphanet 27, MedGen C1855114, MONDO:0009612, OMIM 251000.

Allele frequency attached by ClinVar (database versions not stated): gnomAD exomes below 0.00001 and 0.00001.

Submissions (2):

Ambry Genetics
Classification: Uncertain significance. Last evaluated: 2025-08-22. Review status: criteria provided, single submitter. Criteria: Ambry Variant Classification Scheme 2023. Collection method: clinical testing. Allele origin: germline.

Labcorp Genetics (formerly Invitae), Labcorp
Classification: Uncertain significance. Last evaluated: 2022-02-08. Review status: criteria provided, single submitter. Criteria: Invitae Variant Classification Sherloc (09022015). Collection method: clinical testing. Allele origin: germline.
Comment: This sequence change replaces aspartic acid, which is acidic and polar, with glycine, which is neutral and non-polar, at codon 567 of the MUT protein (p.Asp567Gly). This variant is present in population databases (no rsID available, gnomAD 0.0009%). This variant has not been reported in the literature in individuals affected with MUT-related conditions. Algorithms developed to predict the effect of missense changes on protein structure and function are either unavailable or do not agree on the potential impact of this missense change (SIFT: "Deleterious"; PolyPhen-2: "Benign"; Align-GVGD: "Class C0"). Algorithms developed to predict the effect of sequence changes on RNA splicing suggest that this variant may create or strengthen a splice site. In summary, the available evidence is currently insufficient to determine the role of this variant in disease. Therefore, it has been classified as a Variant of Uncertain Significance.